The following is an entry in ClinVar:

NM_004304.5(ALK):c.1832T>G (p.Met611Arg)

Gene: ALK (ALK receptor tyrosine kinase; minus strand). Cytogenetic location: 2p23.2.
Variant type: single nucleotide variant.
Coding change: c.1832T>G on transcript NM_004304.5 (MANE Select); coding-DNA position 1832, T replaced by G.
Protein change: p.Met611Arg; replaces methionine 611 with arginine.
Molecular consequence: missense variant.
Genome position (GRCh38, 1-based): chr2:29,275,482, A>C on the plus strand (T>G on the coding strand, the complement: ALK is on the minus strand). VCF-style: chr2-29275482-A-C. GRCh37 (hg19) VCF-style: chr2-29498348-A-C.
Other names: short protein forms M611R.
Identifiers: ClinVar variation 4870505 (VCV004870505.1).

ClinVar aggregate classification (germline): Uncertain significance (1 of 4 stars; one submission).

Conditions:
Hereditary cancer-predisposing syndrome. Also called: Neoplastic Syndromes, Hereditary; Tumor predisposition; Hereditary Cancer Syndrome; Hereditary neoplastic syndrome. Identifiers: Orphanet 140162, MedGen C0027672, MeSH D009386, MONDO:0015356.

Submission:

Ambry Genetics
Classification: Uncertain significance for Hereditary cancer-predisposing syndrome. Last evaluated: 2026-06-01. Review status: criteria provided, single submitter. Criteria: Ambry Variant Classification Scheme 2023. Collection method: clinical testing. Allele origin: germline.
Comment: The p.M611R variant (also known as c.1832T>G), located in coding exon 10 of the ALK gene, results from a T to G substitution at nucleotide position 1832. The methionine at codon 611 is replaced by arginine, an amino acid with similar properties. This amino acid position is conserved. In addition, this alteration is predicted to be tolerated by in silico analysis. Based on the available evidence, the clinical significance of this variant remains unclear.